The following is an entry in ClinVar:

ClinVar aggregate classification (germline): Uncertain significance (1 of 4 stars; one submission).

Conditions:
Inborn genetic diseases. Identifiers: MedGen C0950123, MeSH D030342.

gnomAD v4.1: 1 of 1,613,208 alleles (0.000062%); no homozygotes.

Submission:

Ambry Genetics
Classification: Uncertain significance for Inborn genetic diseases. Last evaluated: 2022-11-11. Review status: criteria provided, single submitter. Criteria: Ambry Variant Classification Scheme 2023. Collection method: clinical testing. Allele origin: germline.
Comment: The p.A1812T variant (also known as c.5434G>A), located in coding exon 37 of the LRRK2 gene, results from a G to A substitution at nucleotide position 5434. The alanine at codon 1812 is replaced by threonine, an amino acid with similar properties. This amino acid position is conserved. In addition, the in silico prediction for this alteration is inconclusive. Since supporting evidence is limited at this time, the clinical significance of this alteration remains unclear.

NM_198578.4(LRRK2):c.5434G>A (p.Ala1812Thr)

Gene: LRRK2 (leucine rich repeat kinase 2; plus strand). Cytogenetic location: 12q12.
Variant type: single nucleotide variant.
Coding change: c.5434G>A on transcript NM_198578.4 (MANE Select); coding-DNA position 5434, G replaced by A.
Protein change: p.Ala1812Thr; replaces alanine 1812 with threonine.
Molecular consequence: missense variant.
Genome position (GRCh38, 1-based): chr12:40,322,435, G>A. VCF-style: chr12-40322435-G-A. GRCh37 (hg19) VCF-style: chr12-40716237-G-A.
Other names: short protein forms A1812T.
Identifiers: ClinVar variation 3229695 (VCV003229695.1), dbSNP rs199966130, ClinGen allele CA384420753.